The following is an entry in ClinVar:

NM_206933.4(USH2A):c.10406A>G (p.Tyr3469Cys)

Gene: USH2A (usherin; minus strand). Cytogenetic location: 1q41.
Variant type: single nucleotide variant.
Coding change: c.10406A>G on transcript NM_206933.4 (MANE Select); coding-DNA position 10406, A replaced by G.
Protein change: p.Tyr3469Cys; replaces tyrosine 3469 with cysteine.
Molecular consequence: missense variant.
Genome position (GRCh38, 1-based): chr1:215,782,917, T>C on the plus strand (A>G on the coding strand, the complement: USH2A is on the minus strand). VCF-style: chr1-215782917-T-C. GRCh37 (hg19) VCF-style: chr1-215956259-T-C.
Other names: short protein forms Y3469C.
Identifiers: ClinVar variation 1363382 (VCV001363382.3), dbSNP rs982424534, ClinGen allele CA37438036.

ClinVar aggregate classification (germline): Uncertain significance (1 of 4 stars; one submission).

Allele frequency attached by ClinVar (database versions not stated): gnomAD exomes below 0.00001; TOPMed below 0.00001; gnomAD 0.00001.
gnomAD v4.1: 6 of 1,613,470 alleles (0.00037%); highest among the groups gnomAD compares: East Asian, 0.0022%; no homozygotes.

Submission:

Labcorp Genetics (formerly Invitae), Labcorp
Classification: Uncertain significance. Last evaluated: 2022-08-23. Review status: criteria provided, single submitter. Criteria: Invitae Variant Classification Sherloc (09022015). Collection method: clinical testing. Allele origin: germline.
Comment: This sequence change replaces tyrosine, which is neutral and polar, with cysteine, which is neutral and slightly polar, at codon 3469 of the USH2A protein (p.Tyr3469Cys). This variant is present in population databases (no rsID available, gnomAD 0.003%). This variant has not been reported in the literature in individuals affected with USH2A-related conditions. ClinVar contains an entry for this variant (Variation ID: 1363382). Algorithms developed to predict the effect of missense changes on protein structure and function are either unavailable or do not agree on the potential impact of this missense change (SIFT: "Deleterious"; PolyPhen-2: "Benign"; Align-GVGD: "Class C0"). In summary, the available evidence is currently insufficient to determine the role of this variant in disease. Therefore, it has been classified as a Variant of Uncertain Significance.